The following is an entry in ClinVar:

NM_000298.6(PKLR):c.308G>C (p.Arg103Pro)

Gene: PKLR (pyruvate kinase L/R; minus strand). Cytogenetic location: 1q22.
Variant type: single nucleotide variant.
Coding change: c.308G>C on transcript NM_000298.6 (MANE Select); coding-DNA position 308, G replaced by C.
Protein change: p.Arg103Pro; replaces arginine 103 with proline.
Molecular consequence: missense variant.
Genome position (GRCh38, 1-based): chr1:155,295,732, C>G on the plus strand (G>C on the coding strand, the complement: PKLR is on the minus strand). VCF-style: chr1-155295732-C-G. GRCh37 (hg19) VCF-style: chr1-155265523-C-G.
Other names: c.215G>C, p.Arg72Pro (NM_181871.4); short protein forms R103P, R72P.
Identifiers: ClinVar variation 4995507 (VCV004995507.1).

ClinVar aggregate classification (germline): Uncertain significance (1 of 4 stars; one submission).

Conditions:
PKLR-related disorder. Also called: PKLR-related condition.

Submission:

PreventionGenetics, part of Exact Sciences
Classification: Uncertain significance for PKLR-related condition. Last evaluated: 2026-03-04. Review status: criteria provided, single submitter. Criteria: ACMG Guidelines, 2015. Collection method: clinical testing. Allele origin: germline.
Comment: The PKLR c.308G>C variant is predicted to result in the amino acid substitution p.Arg103Pro. To our knowledge, this variant has not been reported in the literature or in a large population database (gnomAD), indicating this variant is rare. At this time, the clinical significance of this variant is uncertain due to the absence of conclusive functional and genetic evidence.